The following is an entry in ClinVar:

ClinVar aggregate classification (germline): Uncertain significance (1 of 4 stars; one submission).

Conditions:
Hereditary cancer-predisposing syndrome. Also called: Neoplastic Syndromes, Hereditary; Hereditary neoplastic syndrome; Tumor predisposition; Hereditary Cancer Syndrome. Identifiers: Orphanet 140162, MedGen C0027672, MeSH D009386, MONDO:0015356.

Submission:

Labcorp Genetics (formerly Invitae), Labcorp
Classification: Uncertain significance for Hereditary cancer-predisposing syndrome. Last evaluated: 2016-02-01. Review status: criteria provided, single submitter. Criteria: Invitae Variant Classification Sherloc (09022015). Collection method: clinical testing. Allele origin: germline.
Comment: This sequence change replaces threonine with proline at codon 564 of the RAD50 protein (p.Thr564Pro). The threonine residue is moderately conserved and there is a small physicochemical difference between threonine and proline. This variant is not present in population databases (ExAC no frequency) and has not been reported in the literature in individuals with a RAD50-related disease. Algorithms developed to predict the effect of missense changes on protein structure and function (SIFT, PolyPhen-2, Align-GVGD) all suggest that this variant is likely to be tolerated, but these predictions have not been confirmed by published functional studies. In summary, this is a novel missense change that is not predicted to affect protein function or cause disease. However, the evidence is insufficient at this time to prove that conclusively. It has been classified as a Variant of Uncertain Significance.

NM_005732.4(RAD50):c.1690A>C (p.Thr564Pro)

Gene: RAD50 (RAD50 double strand break repair protein; plus strand). Cytogenetic location: 5q31.1.
Variant type: single nucleotide variant.
Coding change: c.1690A>C on transcript NM_005732.4 (MANE Select); coding-DNA position 1690, A replaced by C.
Protein change: p.Thr564Pro; replaces threonine 564 with proline.
Molecular consequence: missense variant.
Genome position (GRCh38, 1-based): chr5:132,591,931, A>C. VCF-style: chr5-132591931-A-C. GRCh37 (hg19) VCF-style: chr5-131927623-A-C.
Other names: short protein forms T564P.
Identifiers: ClinVar variation 240214 (VCV000240214.9), dbSNP rs756853700, ClinGen allele CA10582377.